The following is an entry in ClinVar:

NM_021939.4(FKBP10):c.21C>T (p.Pro7=)

Gene: FKBP10 (FKBP prolyl isomerase 10; plus strand). Cytogenetic location: 17q21.2.
Variant type: single nucleotide variant.
Coding change: c.21C>T on transcript NM_021939.4 (MANE Select); coding-DNA position 21, C replaced by T.
Protein change: p.Pro7=; no amino-acid change (proline 7 retained).
Molecular consequence: synonymous variant.
Genome position (GRCh38, 1-based): chr17:41,813,055, C>T. VCF-style: chr17-41813055-C-T. GRCh37 (hg19) VCF-style: chr17-39969307-C-T.
Identifiers: ClinVar variation 286621 (VCV000286621.47), dbSNP rs781985978, ClinGen allele CA8566108.

ClinVar aggregate classification (germline): Conflicting classifications of pathogenicity. Review status: criteria provided, conflicting classifications (1 of 4 stars). 7 submissions from 7 submitters: Uncertain significance (2); Benign (1); Likely benign (4). Last evaluated 2026-01-05.

Conditions:
Osteogenesis imperfecta type 11. Also called: OI, TYPE XI; Osteogenesis imperfecta, type XI. Identifiers: Orphanet 666, MedGen C3151218, MONDO:0012592, OMIM 610968.

Allele frequency attached by ClinVar (database versions not stated): TOPMed 0.00018.
gnomAD v4.1: 305 of 1,610,298 alleles (0.019%); highest among the groups gnomAD compares: Middle Eastern, 0.86%; 4 homozygotes.

Submissions (7):

Labcorp Genetics (formerly Invitae), Labcorp
Classification: Likely benign. Last evaluated: 2026-01-05. Review status: criteria provided, single submitter. Criteria: Invitae Variant Classification Sherloc (09022015). Collection method: clinical testing. Allele origin: germline.

Blueprint Genetics
Classification: Likely benign. Last evaluated: 2024-09-02. Review status: criteria provided, single submitter. Criteria: ACMG Guidelines, 2015. Collection method: clinical testing. Allele origin: germline.

CeGaT Center for Human Genetics Tuebingen
Classification: Likely benign. Last evaluated: 2023-01-01. Review status: criteria provided, single submitter. Criteria: CeGaT Center For Human Genetics Tuebingen Variant Classification Criteria Version 2. Collection method: clinical testing. Allele origin: germline. Affected: yes. Observed: 1 variant allele.
Comment: FKBP10: BP4

GeneDx
Classification: Likely benign. Last evaluated: 2021-06-21. Review status: criteria provided, single submitter. Criteria: GeneDx Variant Classification Process June 2021. Collection method: clinical testing. Allele origin: germline. Affected: yes.

Illumina Laboratory Services, Illumina
Classification: Uncertain significance for Osteogenesis imperfecta type 11. Last evaluated: 2017-04-27. Review status: criteria provided, single submitter. Criteria: ICSL Variant Classification Criteria 13 December 2019. Collection method: clinical testing. Allele origin: germline.

Eurofins Ntd Llc (ga)
Classification: Uncertain significance. Last evaluated: 2016-03-15. Review status: criteria provided, single submitter. Criteria: EGL Classification Definitions 2015. Collection method: clinical testing. Allele origin: germline. Observed: 1 variant allele, 1 heterozygote.

Medical Molecular Genetics Department, National Research Center
Classification: Benign for Osteogenesis imperfecta, type XI. Review status: criteria provided, single submitter. Criteria: ACMG Guidelines, 2015. Collection method: clinical testing. Allele origin: unknown. Inheritance: Autosomal recessive inheritance. Observed: 2 variant alleles.